The following is an entry in ClinVar:

NM_000493.4(COL10A1):c.422C>G (p.Pro141Arg)

Genes: COL10A1 (collagen type X alpha 1 chain; minus strand), NT5DC1 (5'-nucleotidase domain containing 1; plus strand). Cytogenetic location: 6q22.1.
Variant type: single nucleotide variant.
Coding change: c.422C>G on transcript NM_000493.4 (MANE Select); coding-DNA position 422, C replaced by G.
Protein change: p.Pro141Arg; replaces proline 141 with arginine.
Molecular consequence: missense variant. On other transcripts: intron variant (1).
Genome position (GRCh38, 1-based): chr6:116,121,694, G>C on the plus strand (C>G on the coding strand, the complement: COL10A1 is on the minus strand). VCF-style: chr6-116121694-G-C. GRCh37 (hg19) VCF-style: chr6-116442857-G-C.
Other names: c.422C>G, p.Pro141Arg (NM_001424106.1, NM_001424107.1); c.529+3749G>C (NM_152729.3); short protein forms P141R.
Identifiers: ClinVar variation 2181341 (VCV002181341.4), dbSNP rs372909130, ClinGen allele CA3968402.

ClinVar aggregate classification (germline): Uncertain significance (1 of 4 stars; one submission).

Allele frequency attached by ClinVar (database versions not stated): gnomAD 0.00001; ExAC 0.00002; TOPMed 0.00002.
gnomAD v4.1: 6 of 1,613,712 alleles (0.00037%); highest among the groups gnomAD compares: African/African-American, 0.008%; no homozygotes.

Submission:

Labcorp Genetics (formerly Invitae), Labcorp
Classification: Uncertain significance. Last evaluated: 2022-02-11. Review status: criteria provided, single submitter. Criteria: Invitae Variant Classification Sherloc (09022015). Collection method: clinical testing. Allele origin: germline.
Comment: Algorithms developed to predict the effect of missense changes on protein structure and function are either unavailable or do not agree on the potential impact of this missense change (SIFT: "Tolerated"; PolyPhen-2: "Not Available"; Align-GVGD: "Class C0"). In summary, the available evidence is currently insufficient to determine the role of this variant in disease. Therefore, it has been classified as a Variant of Uncertain Significance. This sequence change replaces proline, which is neutral and non-polar, with arginine, which is basic and polar, at codon 141 of the COL10A1 protein (p.Pro141Arg). This variant has not been reported in the literature in individuals affected with COL10A1-related conditions. This variant is present in population databases (rs372909130, gnomAD 0.02%).